The following is an entry in ClinVar:

ClinVar aggregate classification (germline): Uncertain significance (1 of 4 stars; one submission).

Submission:

GeneDx
Classification: Uncertain significance. Last evaluated: 2025-01-24. Review status: criteria provided, single submitter. Criteria: GeneDx Variant Classification Process June 2021. Collection method: clinical testing. Allele origin: germline. Affected: yes.
Comment: Not observed at significant frequency in large population cohorts (gnomAD); In silico analysis supports that this missense variant has a deleterious effect on protein structure/function; Has not been previously published as pathogenic or benign to our knowledge

NM_001042545.2(LTBP4):c.1474G>A (p.Gly492Arg)

Gene: LTBP4 (latent transforming growth factor beta binding protein 4; plus strand). Cytogenetic location: 19q13.2.
Variant type: single nucleotide variant.
Coding change: c.1474G>A on transcript NM_001042545.2 (MANE Select); coding-DNA position 1474, G replaced by A.
Protein change: p.Gly492Arg; replaces glycine 492 with arginine.
Molecular consequence: missense variant.
Genome position (GRCh38, 1-based): chr19:40,609,577, G>A. VCF-style: chr19-40609577-G-A. GRCh37 (hg19) VCF-style: chr19-41115483-G-A.
Other names: c.1675G>A, p.Gly559Arg (NM_001042544.1); c.1564G>A, p.Gly522Arg (NM_003573.2); short protein forms G492R, G522R, G559R.
Identifiers: ClinVar variation 4071774 (VCV004071774.1).
Genomic context (GRCh38, chr19:40,609,577, plus strand): 5'-CTGGACCCCCCAGGTCCCTCCTCCGGCATGTGTCAGCGCAACCCCCAGGTCTGCGGCCCA[G>A]GACGCTGCATTTCCCGGCCCAGCGGCTACACCTGCGCTTGCGACTCTGGCTTCCGGCTCA-3'
Protein context (NP_001036010.1, residues 482-502): CQRNPQVCGP[Gly492Arg]RCISRPSGYT